The following is an entry in ClinVar:

NM_003907.3(EIF2B5):c.1712G>A (p.Cys571Tyr)

Gene: EIF2B5 (eukaryotic translation initiation factor 2B subunit epsilon; plus strand). Cytogenetic location: 3q27.1.
Variant type: single nucleotide variant.
Coding change: c.1712G>A on transcript NM_003907.3 (MANE Select); coding-DNA position 1712, G replaced by A.
Protein change: p.Cys571Tyr; replaces cysteine 571 with tyrosine.
Molecular consequence: missense variant.
Genome position (GRCh38, 1-based): chr3:184,143,109, G>A. VCF-style: chr3-184143109-G-A. GRCh37 (hg19) VCF-style: chr3-183860897-G-A.
Other names: short protein forms C571Y.
Identifiers: ClinVar variation 2417969 (VCV002417969.3), dbSNP rs375421867, ClinGen allele CA2726790.

ClinVar aggregate classification (germline): Uncertain significance (1 of 4 stars; one submission).

Submission:

Labcorp Genetics (formerly Invitae), Labcorp
Classification: Uncertain significance. Last evaluated: 2022-07-06. Review status: criteria provided, single submitter. Criteria: Invitae Variant Classification Sherloc (09022015). Collection method: clinical testing. Allele origin: germline.
Comment: This sequence change replaces cysteine, which is neutral and slightly polar, with tyrosine, which is neutral and polar, at codon 571 of the EIF2B5 protein (p.Cys571Tyr). This variant is present in population databases (rs375421867, gnomAD 0.01%). This variant has not been reported in the literature in individuals affected with EIF2B5-related conditions. Algorithms developed to predict the effect of missense changes on protein structure and function are either unavailable or do not agree on the potential impact of this missense change (SIFT: "Tolerated"; PolyPhen-2: "Possibly Damaging"; Align-GVGD: "Class C0"). In summary, the available evidence is currently insufficient to determine the role of this variant in disease. Therefore, it has been classified as a Variant of Uncertain Significance.